The following is an entry in ClinVar:

ClinVar aggregate classification (germline): Uncertain significance. Review status: criteria provided, multiple submitters, no conflicts (2 of 4 stars). 2 submissions from 2 submitters: Uncertain significance (2). Last evaluated 2022-10-03.

Conditions:
Hereditary cancer-predisposing syndrome. Also called: Neoplastic Syndromes, Hereditary; Tumor predisposition; Hereditary Cancer Syndrome; Hereditary neoplastic syndrome. Identifiers: Orphanet 140162, MedGen C0027672, MeSH D009386, MONDO:0015356.

Allele frequency attached by ClinVar (database versions not stated): gnomAD exomes below 0.00001; TOPMed below 0.00001.
gnomAD v4.1: 1 of 1,586,382 alleles (0.000063%); highest among the groups gnomAD compares: African/African-American, 0.0013%; no homozygotes.

Submissions (2):

Labcorp Genetics (formerly Invitae), Labcorp
Classification: Uncertain significance. Last evaluated: 2022-10-03. Review status: criteria provided, single submitter. Criteria: Invitae Variant Classification Sherloc (09022015). Collection method: clinical testing. Allele origin: germline.
Comment: In summary, the available evidence is currently insufficient to determine the role of this variant in disease. Therefore, it has been classified as a Variant of Uncertain Significance. Advanced modeling of protein sequence and biophysical properties (such as structural, functional, and spatial information, amino acid conservation, physicochemical variation, residue mobility, and thermodynamic stability) performed at Invitae indicates that this missense variant is not expected to disrupt POLE protein function. ClinVar contains an entry for this variant (Variation ID: 651492). This variant has not been reported in the literature in individuals affected with POLE-related conditions. This variant is not present in population databases (gnomAD no frequency). This sequence change replaces isoleucine, which is neutral and non-polar, with threonine, which is neutral and polar, at codon 1664 of the POLE protein (p.Ile1664Thr).

Ambry Genetics
Classification: Uncertain significance for Hereditary cancer-predisposing syndrome. Last evaluated: 2022-04-07. Review status: criteria provided, single submitter. Criteria: Ambry Variant Classification Scheme 2023. Collection method: clinical testing. Allele origin: germline.
Comment: The p.I1664T variant (also known as c.4991T>C), located in coding exon 38 of the POLE gene, results from a T to C substitution at nucleotide position 4991. The isoleucine at codon 1664 is replaced by threonine, an amino acid with similar properties. This amino acid position is conserved. In addition, this alteration is predicted to be tolerated by in silico analysis. Since supporting evidence is limited at this time, the clinical significance of this alteration remains unclear.

NM_006231.4(POLE):c.4991T>C (p.Ile1664Thr)

Gene: POLE (DNA polymerase epsilon, catalytic subunit; minus strand). Cytogenetic location: 12q24.33.
Variant type: single nucleotide variant.
Coding change: c.4991T>C on transcript NM_006231.4 (MANE Select); coding-DNA position 4991, T replaced by C.
Protein change: p.Ile1664Thr; replaces isoleucine 1664 with threonine.
Molecular consequence: missense variant.
Genome position (GRCh38, 1-based): chr12:132,642,359, A>G on the plus strand (T>C on the coding strand, the complement: POLE is on the minus strand). VCF-style: chr12-132642359-A-G. GRCh37 (hg19) VCF-style: chr12-133218945-A-G.
Other names: short protein forms I1664T.
Identifiers: ClinVar variation 651492 (VCV000651492.9), dbSNP rs1593730003, ClinGen allele CA387377505.